The following is an entry in ClinVar:

ClinVar aggregate classification (germline): Pathogenic (1 of 4 stars; one submission).

Conditions:
Pyruvate carboxylase deficiency. Also called: ATAXIA WITH LACTIC ACIDOSIS II; LEIGH NECROTIZING ENCEPHALOPATHY DUE TO PYRUVATE CARBOXYLASE DEFICIENCY; LEIGH SYNDROME DUE TO PYRUVATE CARBOXYLASE DEFICIENCY; PC DEFICIENCY; Pyruvate Carboxylase Deficiency Disease. Identifiers: Orphanet 3008, MedGen C0034341, MONDO:0009949, OMIM 266150.

Submission:

Myriad Genetics, Inc.
Classification: Pathogenic for Pyruvate carboxylase deficiency. Last evaluated: 2025-09-16. Review status: criteria provided, single submitter. Criteria: Myriad Autosomal Dominant, Autosomal Recessive and X-Linked Classification Criteria (2023). Collection method: clinical testing. Allele origin: unknown.
Comment: NM_000920.3(PC):c.596delG(G199Vfs*6) is expected to be pathogenic in the context of pyruvate carboxylase deficiency. This variant is predicted to lead to an abnormal or absent protein product due to the creation of a premature termination codon in PC, a gene where loss-of-function variants are known to be pathogenic. Please note: this variant was assessed in the context of healthy population screening.

NM_001040716.2(PC):c.596del (p.Gly199fs)

Gene: PC (pyruvate carboxylase; minus strand). Cytogenetic location: 11q13.2.
Variant type: Deletion.
Coding change: c.596del on transcript NM_001040716.2 (MANE Select); coding-DNA position 596, one base deleted (G; older notation c.596delG).
Protein change: p.Gly199fs; shifts the reading frame from glycine 199.
Molecular consequence: frameshift variant.
Genome position (GRCh38, 1-based): chr11:66,871,089, C deleted on the plus strand (G on the coding strand, the reverse complement: PC is on the minus strand); the first of 5 consecutive C bases (chr11:66,871,089-66,871,093); deleting any one gives the same sequence. VCF-style (leftmost placement, unchanged base first): chr11-66871088-AC-A. GRCh37 (hg19) VCF-style: chr11-66638559-AC-A.
Other names: c.596del, p.Gly199fs (NM_000920.4, NM_001439352.1, NM_001439353.1 and 5 more transcripts); short protein forms G199fs.
Identifiers: ClinVar variation 5014983 (VCV005014983.1).